The following is an entry in ClinVar:

ClinVar aggregate classification (germline): Uncertain significance (1 of 4 stars; one submission).

Submission:

CeGaT Center for Human Genetics Tuebingen
Classification: Uncertain significance. Last evaluated: 2025-02-01. Review status: criteria provided, single submitter. Criteria: CeGaT Center For Human Genetics Tuebingen Variant Classification Criteria Version 2. Collection method: clinical testing. Allele origin: germline. Affected: yes. Observed: 1 variant allele.
Comment: TRPM3: PM2, PP2, PP3

NM_001366145.2(TRPM3):c.3353A>C (p.Asn1118Thr)

Gene: TRPM3 (transient receptor potential cation channel subfamily M member 3; minus strand). Cytogenetic location: 9q21.12.
Variant type: single nucleotide variant.
Coding change: c.3353A>C on transcript NM_001366145.2 (MANE Select); coding-DNA position 3353, A replaced by C.
Protein change: p.Asn1118Thr; replaces asparagine 1118 with threonine.
Molecular consequence: missense variant.
Genome position (GRCh38, 1-based): chr9:70,553,181, T>G on the plus strand (A>C on the coding strand, the complement: TRPM3 is on the minus strand). VCF-style: chr9-70553181-T-G. GRCh37 (hg19) VCF-style: chr9-73168097-T-G.
Other names: c.3317A>C, p.Asn1106Thr (NM_001007471.4, NM_001366151.2); c.3323A>C, p.Asn1108Thr (NM_001366141.2, NM_001366143.2, NM_001366149.2); c.3359A>C, p.Asn1120Thr (NM_001366142.2); c.3353A>C, p.Asn1118Thr (NM_001366146.2); c.3428A>C, p.Asn1143Thr (NM_001366147.2, NM_001366152.2); c.3398A>C, p.Asn1133Thr (NM_001366148.2); c.3287A>C, p.Asn1096Thr (NM_001366150.2); c.2894A>C, p.Asn965Thr (NM_001366154.2, NM_024971.7); and 5 more; short protein forms N1096T, N1106T, N1108T, N1118T, N1120T, N1133T, N1143T, N943T.
Identifiers: ClinVar variation 3772458 (VCV003772458.13).